The following is an entry in ClinVar:

NM_001177693.2(ARHGEF28):c.4599C>T (p.His1533=)

Gene: ARHGEF28 (Rho guanine nucleotide exchange factor 28; plus strand). Cytogenetic location: 5q13.2.
Variant type: single nucleotide variant.
Coding change: c.4599C>T on transcript NM_001177693.2 (MANE Select); coding-DNA position 4599, C replaced by T.
Protein change: p.His1533=; no amino-acid change (histidine 1533 retained).
Molecular consequence: synonymous variant.
Genome position (GRCh38, 1-based): chr5:73,909,849, C>T. VCF-style: chr5-73909849-C-T. GRCh37 (hg19) VCF-style: chr5-73205674-C-T.
Other names: c.4599C>T, p.His1533= (NM_001080479.3, NM_001388078.1); c.3660C>T, p.His1220= (NM_001244364.2); c.4305C>T, p.His1435= (NM_001388076.1).
Identifiers: ClinVar variation 2655528 (VCV002655528.24), dbSNP rs1258350405, ClinGen allele CA445046976.

ClinVar aggregate classification (germline): Likely benign (1 of 4 stars; one submission).

gnomAD v4.1: 7 of 1,540,302 alleles (0.00045%); highest among the groups gnomAD compares: South Asian, 0.0025%; no homozygotes.

Submission:

CeGaT Center for Human Genetics Tuebingen
Classification: Likely benign. Last evaluated: 2023-03-01. Review status: criteria provided, single submitter. Criteria: CeGaT Center For Human Genetics Tuebingen Variant Classification Criteria Version 2. Collection method: clinical testing. Allele origin: germline. Affected: yes. Observed: 1 variant allele.
Comment: ARHGEF28: BP4, BP7